The following is an entry in ClinVar:

NM_000089.4(COL1A2):c.478G>A (p.Gly160Arg)

Gene: COL1A2 (collagen type I alpha 2 chain; plus strand). Cytogenetic location: 7q21.3.
Variant type: single nucleotide variant.
Coding change: c.478G>A on transcript NM_000089.4 (MANE Select); coding-DNA position 478, G replaced by A.
Protein change: p.Gly160Arg; replaces glycine 160 with arginine.
Molecular consequence: missense variant.
Genome position (GRCh38, 1-based): chr7:94,405,244, G>A. VCF-style: chr7-94405244-G-A. GRCh37 (hg19) VCF-style: chr7-94034556-G-A.
Other names: short protein forms G160R.
Identifiers: ClinVar variation 2925401 (VCV002925401.5), dbSNP rs2484700675, ClinGen allele CA368219849.

ClinVar aggregate classification (germline): Pathogenic/Likely pathogenic. Review status: criteria provided, multiple submitters, no conflicts (2 of 4 stars). 3 submissions from 3 submitters: Pathogenic (1); Likely pathogenic (2). Last evaluated 2023-10-23.

Conditions:
Osteogenesis imperfecta type I (OI1). Also called: Classic Non-deforming Osteogenesis Imperfecta with Blue Sclerae; Osteogenesis imperfecta type 1; Lobstein disease; Lobstein's Disease; OI, TYPE I; OSTEOGENESIS IMPERFECTA TARDA. Identifiers: Orphanet 216796, Orphanet 666, MedGen C0023931, MONDO:0008146, OMIM 166200. Disease mechanism: loss of function.
Ehlers-Danlos syndrome, classic type, 1 (EDSCL1). Also called: EHLERS-DANLOS SYNDROME, GRAVIS TYPE; EHLERS-DANLOS SYNDROME, SEVERE CLASSIC TYPE; EDS I; Ehlers-Danlos syndrome, type 1; Ehlers-Danlos Syndrome, Classic Type, COL5A1-Related. Identifiers: MedGen C0268335, MONDO:0019567, OMIM 130000.
COL1A2-related disorder. Also called: COL1A2-related condition; COL1A2-Related Disorders.

Submissions (3):

Labcorp Genetics (formerly Invitae), Labcorp
Classification: Pathogenic for Osteogenesis imperfecta type I; Ehlers-Danlos syndrome, classic type, 1. Last evaluated: 2023-10-23. Review status: criteria provided, single submitter. Criteria: Invitae Variant Classification Sherloc (09022015). Collection method: clinical testing. Allele origin: germline.
Comment: This sequence change replaces glycine, which is neutral and non-polar, with arginine, which is basic and polar, at codon 160 of the COL1A2 protein (p.Gly160Arg). This variant is not present in population databases (gnomAD no frequency). This missense change has been observed in individual(s) with osteogenesis imperfecta type I (PMID: 28725987). Advanced modeling of protein sequence and biophysical properties (such as structural, functional, and spatial information, amino acid conservation, physicochemical variation, residue mobility, and thermodynamic stability) performed at Invitae indicates that this missense variant is expected to disrupt COL1A2 protein function with a positive predictive value of 95%. This variant disrupts the triple helix domain of COL1A2. Glycine residues within the Gly-Xaa-Yaa repeats of the triple helix domain are required for the structure and stability of fibrillar collagens (PMID: 7695699, 8218237, 19344236). In COL1A2, variants affecting these glycine residues are significantly enriched in individuals with disease (PMID: 9016532, 17078022) compared to the general population (ExAC). For these reasons, this variant has been classified as Pathogenic.

GeneDx
Classification: Likely pathogenic. Last evaluated: 2023-06-27. Review status: criteria provided, single submitter. Criteria: GeneDx Variant Classification Process June 2021. Collection method: clinical testing. Allele origin: germline. Affected: yes.
Comment: Occurs in the triple helical domain and replaces a glycine in a canonical Gly-X-Y repeat; missense substitution of a canonical glycine residue is expected to disrupt normal protein folding and function, and this is an established mechanism of disease (Jovanovic et al., 2021); In silico analysis supports that this missense variant has a deleterious effect on protein structure/function; Not observed at significant frequency in large population cohorts (gnomAD); This variant is associated with the following publications: (PMID: 28725987, 30715774)

Blueprint Genetics
Classification: Likely pathogenic for COL1A2-related disorders. Last evaluated: 2023-04-20. Review status: criteria provided, single submitter. Criteria: ACMG Guidelines, 2015. Collection method: clinical testing. Allele origin: germline. Affected: yes. Observed: 1 variant allele.

Literature cited by the submitters: PubMed 28725987 (cited by Labcorp Genetics (formerly Invitae), Labcorp); PubMed 7695699 (cited by Labcorp Genetics (formerly Invitae), Labcorp); PubMed 8218237 (cited by Labcorp Genetics (formerly Invitae), Labcorp); PubMed 19344236 (cited by Labcorp Genetics (formerly Invitae), Labcorp); PubMed 9016532 (cited by Labcorp Genetics (formerly Invitae), Labcorp); PubMed 17078022 (cited by Labcorp Genetics (formerly Invitae), Labcorp).